The following is an entry in ClinVar:

ClinVar aggregate classification (germline): Uncertain significance (1 of 4 stars; one submission).

Conditions:
Inborn genetic diseases. Identifiers: MedGen C0950123, MeSH D030342.

Submission:

Ambry Genetics
Classification: Uncertain significance for Inborn genetic diseases. Last evaluated: 2026-05-30. Review status: criteria provided, single submitter. Criteria: Ambry Variant Classification Scheme 2023. Collection method: clinical testing. Allele origin: germline.
Comment: The p.L253F variant (also known as c.757C>T), located in coding exon 1 of the CEBPA gene, results from a C to T substitution at nucleotide position 757. The leucine at codon 253 is replaced by phenylalanine, an amino acid with highly similar properties. This amino acid position is conserved. In addition, this alteration is predicted to be tolerated by in silico analysis. Based on the available evidence, the clinical significance of this variant remains unclear.

NM_004364.5(CEBPA):c.757C>T (p.Leu253Phe)

Gene: CEBPA (CCAAT enhancer binding protein alpha; minus strand). Cytogenetic location: 19q13.11.
Variant type: single nucleotide variant.
Coding change: c.757C>T on transcript NM_004364.5 (MANE Select); coding-DNA position 757, C replaced by T.
Protein change: p.Leu253Phe; replaces leucine 253 with phenylalanine.
Molecular consequence: missense variant.
Genome position (GRCh38, 1-based): chr19:33,301,658, G>A on the plus strand (C>T on the coding strand, the complement: CEBPA is on the minus strand). VCF-style: chr19-33301658-G-A. GRCh37 (hg19) VCF-style: chr19-33792564-G-A.
Other names: c.400C>T, p.Leu134Phe (NM_001285829.2); c.862C>T, p.Leu288Phe (NM_001287424.2); c.715C>T, p.Leu239Phe (NM_001287435.2); short protein forms L134F, L239F, L253F, L288F.
Identifiers: ClinVar variation 4868700 (VCV004868700.1).